The following is an entry in ClinVar:

ClinVar aggregate classification (germline): Uncertain significance. Review status: criteria provided, multiple submitters, no conflicts (2 of 4 stars). 3 submissions from 3 submitters: Uncertain significance (3). Last evaluated 2024-05-31.

Conditions:
Familial adenomatous polyposis 3. Also called: NTHL1-related attenuated familial adenomatous polyposis; NTHL1-Related Adenomatous Polyposis and Colorectal Cancer; NTHL1 Tumor Syndrome; NTHL1-associated polyposis. Identifiers: Orphanet 220460, Orphanet 454840, MedGen C4225157, MONDO:0014630, OMIM 616415.
Hereditary cancer-predisposing syndrome. Also called: Hereditary Cancer Syndrome; Hereditary neoplastic syndrome; Neoplastic Syndromes, Hereditary; Tumor predisposition. Identifiers: Orphanet 140162, MedGen C0027672, MeSH D009386, MONDO:0015356.

Allele frequency attached by ClinVar (database versions not stated): ExAC 0.00001.

Submissions (3):

Fulgent Genetics
Classification: Uncertain significance for Familial adenomatous polyposis 3. Last evaluated: 2024-05-31. Review status: criteria provided, single submitter. Criteria: ACMG Guidelines, 2015. Collection method: clinical testing. Allele origin: germline.

Labcorp Genetics (formerly Invitae), Labcorp
Classification: Uncertain significance. Last evaluated: 2022-07-15. Review status: criteria provided, single submitter. Criteria: Invitae Variant Classification Sherloc (09022015). Collection method: clinical testing. Allele origin: germline.
Comment: Algorithms developed to predict the effect of missense changes on protein structure and function are either unavailable or do not agree on the potential impact of this missense change (SIFT: "Not Available"; PolyPhen-2: "Benign"; Align-GVGD: "Not Available"). In summary, the available evidence is currently insufficient to determine the role of this variant in disease. Therefore, it has been classified as a Variant of Uncertain Significance. This variant has not been reported in the literature in individuals affected with NTHL1-related conditions. This variant is present in population databases (rs768318722, gnomAD 0.0009%). This sequence change replaces glutamic acid, which is acidic and polar, with glycine, which is neutral and non-polar, at codon 116 of the NTHL1 protein (p.Glu116Gly).

Ambry Genetics
Classification: Uncertain significance for Hereditary cancer-predisposing syndrome. Last evaluated: 2021-08-24. Review status: criteria provided, single submitter. Criteria: Ambry Variant Classification Scheme 2023. Collection method: clinical testing. Allele origin: germline.
Comment: The p.E116G variant (also known as c.347A>G), located in coding exon 2 of the NTHL1 gene, results from an A to G substitution at nucleotide position 347. The glutamic acid at codon 116 is replaced by glycine, an amino acid with similar properties. This amino acid position is conserved. In addition, the in silico prediction for this alteration is inconclusive. Since supporting evidence is limited at this time, the clinical significance of this alteration remains unclear.

NM_002528.7(NTHL1):c.323A>G (p.Glu108Gly)

Gene: NTHL1 (nth like DNA glycosylase 1; minus strand). Cytogenetic location: 16p13.3.
Variant type: single nucleotide variant.
Coding change: c.323A>G on transcript NM_002528.7 (MANE Select); coding-DNA position 323, A replaced by G.
Protein change: p.Glu108Gly; replaces glutamic acid 108 with glycine.
Molecular consequence: missense variant. On other transcripts: intron variant (1).
Genome position (GRCh38, 1-based): chr16:2,046,159, T>C on the plus strand (A>G on the coding strand, the complement: NTHL1 is on the minus strand). VCF-style: chr16-2046159-T-C. GRCh37 (hg19) VCF-style: chr16-2096160-T-C.
Other names: c.323A>G, p.Glu108Gly (NM_001318193.2); c.24+121A>G (NM_001318194.2); short protein forms E108G.
Identifiers: ClinVar variation 1715009 (VCV001715009.9), dbSNP rs768318722, ClinGen allele CA7828323.